The following is an entry in ClinVar:

NM_001277115.2(DNAH11):c.7266+5G>A

Gene: DNAH11 (dynein axonemal heavy chain 11; plus strand). Cytogenetic location: 7p15.3.
Variant type: single nucleotide variant.
Coding change: c.7266+5G>A on transcript NM_001277115.2 (MANE Select); 5 bases into the intron after coding-DNA position 7266, G replaced by A.
Molecular consequence: intron variant.
Genome position (GRCh38, 1-based): chr7:21,720,861, G>A. VCF-style: chr7-21720861-G-A. GRCh37 (hg19) VCF-style: chr7-21760479-G-A.
Identifiers: ClinVar variation 257925 (VCV000257925.19), dbSNP rs149364992, ClinGen allele CA4181151.

ClinVar aggregate classification (germline): Conflicting classifications of pathogenicity. Review status: criteria provided, conflicting classifications (1 of 4 stars). 5 submissions from 5 submitters: Uncertain significance (1); Likely benign (4). Last evaluated 2026-01-26.

Conditions:
Primary ciliary dyskinesia. Also called: Ciliary dyskinesia. Identifiers: Orphanet 244, MedGen C0008780, MONDO:0016575, HP:0012265.
Primary ciliary dyskinesia 7. Also called: CILIARY DYSKINESIA, PRIMARY, 7, WITH OR WITHOUT SITUS INVERSUS. Identifiers: Orphanet 244, MedGen C2678473, MONDO:0012748, OMIM 611884.

Allele frequency attached by ClinVar (database versions not stated): TOPMed 0.00066; gnomAD 0.00069; ESP Exome Variant Server 0.00092; 1000 Genomes Project 0.00100; 1000 Genomes Project 30x 0.00109; gnomAD exomes 0.00006 and 0.00017; ExAC 0.00021.
gnomAD v4.1: 204 of 1,611,070 alleles (0.013%); highest among the groups gnomAD compares: African/African-American, 0.19%; no homozygotes.

Submissions (5):

Labcorp Genetics (formerly Invitae), Labcorp
Classification: Likely benign for Primary ciliary dyskinesia. Last evaluated: 2026-01-26. Review status: criteria provided, single submitter. Criteria: Invitae Variant Classification Sherloc (09022015). Collection method: clinical testing. Allele origin: germline.

Mayo Clinic Laboratories, Mayo Clinic
Classification: Likely benign. Last evaluated: 2025-10-18. Review status: criteria provided, single submitter. Criteria: ACMG Guidelines, 2015. Collection method: clinical testing. Allele origin: germline. Observed: 1 variant allele.
Comment: BP4, BP7

Blueprint Genetics
Classification: Likely benign. Last evaluated: 2024-11-26. Review status: criteria provided, single submitter. Criteria: ACMG Guidelines, 2015. Collection method: clinical testing. Allele origin: germline.

Illumina Laboratory Services, Illumina
Classification: Uncertain significance for Primary ciliary dyskinesia 7. Last evaluated: 2018-01-13. Review status: criteria provided, single submitter. Criteria: ICSL Variant Classification Criteria 13 December 2019. Collection method: clinical testing. Allele origin: germline.

PreventionGenetics, part of Exact Sciences
Classification: Likely benign. Review status: criteria provided, single submitter. Criteria: ACMG Guidelines, 2015. Collection method: clinical testing. Allele origin: germline.

Literature cited by the submitters: PubMed 32859249 (cited by Mayo Clinic Laboratories, Mayo Clinic).